The following is an entry in ClinVar:

NM_001127222.2(CACNA1A):c.1242G>T (p.Arg414Ser)

Gene: CACNA1A (calcium voltage-gated channel subunit alpha1 A; minus strand). Cytogenetic location: 19p13.13.
Variant type: single nucleotide variant.
Coding change: c.1242G>T on transcript NM_001127222.2 (MANE Select); coding-DNA position 1242, G replaced by T.
Protein change: p.Arg414Ser; replaces arginine 414 with serine.
Molecular consequence: missense variant.
Genome position (GRCh38, 1-based): chr19:13,332,882, C>A on the plus strand (G>T on the coding strand, the complement: CACNA1A is on the minus strand). VCF-style: chr19-13332882-C-A. GRCh37 (hg19) VCF-style: chr19-13443696-C-A.
Other names: c.1242G>T, p.Arg414Ser (NM_000068.4, NM_001127221.2, NM_001174080.2 and 1 more transcripts); short protein forms R414S.
Identifiers: ClinVar variation 1366067 (VCV001366067.10), dbSNP rs763099796, ClinGen allele CA9240873.
Genomic context (GRCh38, chr19:13,332,882, plus strand): 5'-CCCTTCTCCCCTGGGACCCACCCCTGAGGTGGGTTTAGAGCAGTTACCATCAAAGGGATG[C>A]CTCTGCTCCCCGTCAGTTTCATCCTCGGCGAGGATCACCTCTTCTGAAGAGGAAGAGCAC-3'
Protein context (NP_001120694.1, residues 404-424): LAEDETDGEQ[Arg414Ser]HPFDALRRTT

ClinVar aggregate classification (germline): Uncertain significance (1 of 4 stars; one submission).

Conditions:
Episodic ataxia type 2 (EA2). Also called: ATAXIA, EPISODIC, WITH NYSTAGMUS; ATAXIA, FAMILIAL PAROXYSMAL; CEREBELLAR ATAXIA, PAROXYSMAL, ACETAZOLAMIDE-RESPONSIVE; CEREBELLOPATHY, HEREDITARY PAROXYSMAL; EPISODIC ATAXIA, NYSTAGMUS-ASSOCIATED; ACETAZOLAMIDE-RESPONSIVE HEREDITARY PAROXYSMAL CEREBELLAR ATAXIA. Identifiers: Orphanet 97, MedGen C1720416, MONDO:0007163, OMIM 108500.
Developmental and epileptic encephalopathy, 42 (DEE42A). Also called: DEVELOPMENTAL AND EPILEPTIC ENCEPHALOPATHY 42A; EPILEPTIC ENCEPHALOPATHY, EARLY INFANTILE, 42A; Epileptic encephalopathy, early infantile, 42. Identifiers: MedGen C4310716, MONDO:0014917, OMIM 617106.

Allele frequency attached by ClinVar (database versions not stated): gnomAD exomes below 0.00001; ExAC 0.00001.
gnomAD v4.1: 1 of 1,611,962 alleles (0.000062%); highest among the groups gnomAD compares: Non-Finnish European, 0.000085%; no homozygotes.

Submission:

Labcorp Genetics (formerly Invitae), Labcorp
Classification: Uncertain significance for Developmental and epileptic encephalopathy, 42; Episodic ataxia type 2. Last evaluated: 2024-11-13. Review status: criteria provided, single submitter. Criteria: Invitae Variant Classification Sherloc (09022015). Collection method: clinical testing. Allele origin: germline.
Comment: This sequence change replaces arginine, which is basic and polar, with serine, which is neutral and polar, at codon 414 of the CACNA1A protein (p.Arg414Ser). This variant is present in population databases (rs763099796, gnomAD 0.0009%). This missense change has been observed in individual(s) with epileptic encephalopathy (PMID: 31164858). ClinVar contains an entry for this variant (Variation ID: 1366067). Invitae Evidence Modeling of protein sequence and biophysical properties (such as structural, functional, and spatial information, amino acid conservation, physicochemical variation, residue mobility, and thermodynamic stability) indicates that this missense variant is not expected to disrupt CACNA1A protein function with a negative predictive value of 95%. In summary, the available evidence is currently insufficient to determine the role of this variant in disease. Therefore, it has been classified as a Variant of Uncertain Significance.

Literature cited by the submitters: PubMed 31164858.